The following is an entry in ClinVar:

ClinVar aggregate classification (germline): Uncertain significance (1 of 4 stars; one submission).

Conditions:
Cardiovascular phenotype. Identifiers: MedGen CN230736.

Submission:

Ambry Genetics
Classification: Uncertain significance for Cardiovascular phenotype. Last evaluated: 2021-07-15. Review status: criteria provided, single submitter. Criteria: Ambry Variant Classification Scheme 2023. Collection method: clinical testing. Allele origin: germline.
Comment: The p.D1364E variant (also known as c.4092T>A), located in coding exon 33 of the ABCC9 gene, results from a T to A substitution at nucleotide position 4092. The aspartic acid at codon 1364 is replaced by glutamic acid, an amino acid with highly similar properties. This amino acid position is highly conserved in available vertebrate species. In addition, the in silico prediction for this alteration is inconclusive. Since supporting evidence is limited at this time, the clinical significance of this alteration remains unclear.

NM_020297.4(ABCC9):c.4092T>A (p.Asp1364Glu)

Genes: ABCC9 (ATP binding cassette subfamily C member 9; minus strand), KCNJ8-AS1 (KCNJ8 antisense RNA 1; plus strand). Cytogenetic location: 12p12.1.
Variant type: single nucleotide variant.
Coding change: c.4092T>A on transcript NM_020297.4 (MANE Select); coding-DNA position 4092, T replaced by A.
Protein change: p.Asp1364Glu; replaces aspartic acid 1364 with glutamic acid.
Molecular consequence: missense variant.
Genome position (GRCh38, 1-based): chr12:21,814,654, A>T on the plus strand (T>A on the coding strand, the complement: ABCC9 is on the minus strand). VCF-style: chr12-21814654-A-T. GRCh37 (hg19) VCF-style: chr12-21967588-A-T.
Other names: c.4092T>A, p.Asp1364Glu (NM_001377273.1, NM_005691.4); c.3225T>A, p.Asp1075Glu (NM_001377274.1); short protein forms D1075E, D1364E.
Identifiers: ClinVar variation 1737761 (VCV001737761.2), dbSNP rs755341471, ClinGen allele CA384135243.